The following is an entry in ClinVar:

ClinVar aggregate classification (germline): Likely benign (1 of 4 stars; one submission).

Allele frequency attached by ClinVar (database versions not stated): ExAC 0.00001; gnomAD exomes 0.00001.
gnomAD v4.1: 10 of 1,614,172 alleles (0.00062%); highest among the groups gnomAD compares: South Asian, 0.0011%; no homozygotes.

Submission:

CeGaT Center for Human Genetics Tuebingen
Classification: Likely benign. Last evaluated: 2022-03-01. Review status: criteria provided, single submitter. Criteria: CeGaT Center For Human Genetics Tuebingen Variant Classification Criteria Version 2. Collection method: clinical testing. Allele origin: germline. Affected: yes. Observed: 1 variant allele.
Comment: PEX6: BP4, BP7

NM_000287.4(PEX6):c.831G>A (p.Leu277=)

Gene: PEX6 (peroxisomal biogenesis factor 6; minus strand). Cytogenetic location: 6p21.1.
Variant type: single nucleotide variant.
Coding change: c.831G>A on transcript NM_000287.4 (MANE Select); coding-DNA position 831, G replaced by A.
Protein change: p.Leu277=; no amino-acid change (leucine 277 retained).
Molecular consequence: synonymous variant. On other transcripts: non-coding transcript variant (1), intron variant (1).
Genome position (GRCh38, 1-based): chr6:42,978,320, C>T on the plus strand (G>A on the coding strand, the complement: PEX6 is on the minus strand). VCF-style: chr6-42978320-C-T. GRCh37 (hg19) VCF-style: chr6-42946058-C-T.
Other names: c.618+213G>A (NM_001316313.2).
Identifiers: ClinVar variation 2656566 (VCV002656566.24), dbSNP rs769541686, ClinGen allele CA3811557.